The following is an entry in ClinVar:

NM_138387.4(G6PC3):c.802C>T (p.Pro268Ser)

Gene: G6PC3 (glucose-6-phosphatase catalytic subunit 3; plus strand). Cytogenetic location: 17q21.31.
Variant type: single nucleotide variant.
Coding change: c.802C>T on transcript NM_138387.4 (MANE Select); coding-DNA position 802, C replaced by T.
Protein change: p.Pro268Ser; replaces proline 268 with serine.
Molecular consequence: missense variant. On other transcripts: 3 prime UTR variant (1).
Genome position (GRCh38, 1-based): chr17:44,075,804, C>T. VCF-style: chr17-44075804-C-T. GRCh37 (hg19) VCF-style: chr17-42153172-C-T.
Other names: c.*95C>T (NM_001319945.2); c.457C>T, p.Pro153Ser (NM_001384165.1, NM_001384166.1, NM_001384167.1 and 1 more transcripts); short protein forms P153S, P268S.
Identifiers: ClinVar variation 4027626 (VCV004027626.1).

ClinVar aggregate classification (germline): Uncertain significance (1 of 4 stars; one submission).

Conditions:
Inborn genetic diseases. Identifiers: MedGen C0950123, MeSH D030342.

Submission:

Ambry Genetics
Classification: Uncertain significance for Inborn genetic diseases. Last evaluated: 2025-06-12. Review status: criteria provided, single submitter. Criteria: Ambry Variant Classification Scheme 2023. Collection method: clinical testing. Allele origin: germline.
Comment: The p.P268S variant (also known as c.802C>T), located in coding exon 6 of the G6PC3 gene, results from a C to T substitution at nucleotide position 802. The proline at codon 268 is replaced by serine, an amino acid with similar properties. This amino acid position is conserved. In addition, this alteration is predicted to be tolerated by in silico analysis. Based on the available evidence, the clinical significance of this variant remains unclear.